The following is an entry in ClinVar:

ClinVar aggregate classification (germline): Uncertain significance. Review status: criteria provided, multiple submitters, no conflicts (2 of 4 stars). 2 submissions from 2 submitters: Uncertain significance (2). Last evaluated 2023-05-31.

Conditions:
MEGF8-related Carpenter syndrome. Also called: Carpenter syndrome 2. Identifiers: Orphanet 65759, MedGen C3554247, MONDO:0013998, OMIM 614976.
Inborn genetic diseases. Identifiers: MedGen C0950123, MeSH D030342.

Allele frequency attached by ClinVar (database versions not stated): gnomAD 0.00001; gnomAD exomes 0.00001; TOPMed 0.00001.
gnomAD v4.1: 9 of 1,598,874 alleles (0.00056%); highest among the groups gnomAD compares: Middle Eastern, 0.019%; no homozygotes.

Submissions (2):

Ambry Genetics
Classification: Uncertain significance for Inborn genetic diseases. Last evaluated: 2023-05-31. Review status: criteria provided, single submitter. Criteria: Ambry Variant Classification Scheme 2023. Collection method: clinical testing. Allele origin: germline.

Labcorp Genetics (formerly Invitae), Labcorp
Classification: Uncertain significance for MEGF8-related Carpenter syndrome. Last evaluated: 2022-06-25. Review status: criteria provided, single submitter. Criteria: Invitae Variant Classification Sherloc (09022015). Collection method: clinical testing. Allele origin: germline.
Comment: The frequency data for this variant in the population databases is considered unreliable, as metrics indicate poor data quality at this position in the gnomAD database. This sequence change replaces alanine, which is neutral and non-polar, with valine, which is neutral and non-polar, at codon 617 of the MEGF8 protein (p.Ala617Val). This variant has not been reported in the literature in individuals affected with MEGF8-related conditions. In summary, the available evidence is currently insufficient to determine the role of this variant in disease. Therefore, it has been classified as a Variant of Uncertain Significance. Algorithms developed to predict the effect of missense changes on protein structure and function output the following: SIFT: "Tolerated"; PolyPhen-2: "Benign"; Align-GVGD: "Class C0". The valine amino acid residue is found in multiple mammalian species, which suggests that this missense change does not adversely affect protein function.

NM_001271938.2(MEGF8):c.1850C>T (p.Ala617Val)

Gene: MEGF8 (multiple EGF like domains 8; plus strand). Cytogenetic location: 19q13.2.
Variant type: single nucleotide variant.
Coding change: c.1850C>T on transcript NM_001271938.2 (MANE Select); coding-DNA position 1850, C replaced by T.
Protein change: p.Ala617Val; replaces alanine 617 with valine.
Molecular consequence: missense variant.
Genome position (GRCh38, 1-based): chr19:42,344,502, C>T. VCF-style: chr19-42344502-C-T. GRCh37 (hg19) VCF-style: chr19-42848654-C-T.
Other names: c.1850C>T (NM_001410.2); c.1850C>T, p.Ala617Val (NM_001410.3); short protein forms A617V.
Identifiers: ClinVar variation 1980143 (VCV001980143.6), dbSNP rs1218076278, ClinGen allele CA406092877.